The following is an entry in ClinVar:

ClinVar aggregate classification (germline): Uncertain significance (1 of 4 stars; one submission).

Conditions:
Bethlem myopathy 1A. Also called: MYOPATHY, BENIGN CONGENITAL, WITH CONTRACTURES; Bethlem Muscular Dystrophy; Bethlem myopathy 1. Identifiers: Orphanet 610, MedGen CN029274, MONDO:0024530, OMIM 158810.

Submission:

3billion
Classification: Uncertain significance for Bethlem myopathy 1A. Last evaluated: 2022-01-03. Review status: criteria provided, single submitter. Criteria: ACMG Guidelines, 2015. Collection method: clinical testing. Allele origin: germline. Affected: yes. Observed: 1 homozygote.
Comment: This inframe deletion in the non-repeat region can change the length of the protein and disrupt protein function (PM4_M). It is not observed in the gnomAD v2.1.1 dataset (PM2_M). Therefore, this variant is classified as uncertain significance according to the recommendation of ACMG/AMP guideline.

NM_001849.4(COL6A2):c.1488_1514del (p.Arg498_Pro506del)

Gene: COL6A2 (collagen type VI alpha 2 chain; plus strand). Cytogenetic location: 21q22.3.
Variant type: Deletion.
Coding change: c.1488_1514del on transcript NM_001849.4 (MANE Select); coding-DNA positions 1488 to 1514, 27 bases deleted (ACCCCGTGGAGACTCAGGACAGCCAGG).
Protein change: p.Arg498_Pro506del.
Molecular consequence: inframe deletion.
Genome position (GRCh38, 1-based): chr21:46,121,585-46,121,611, ACCCCGTGGAGACTCAGGACAGCCAGG deleted; deleting any 27 consecutive bases within chr21:46,121,581-46,121,611 gives the same sequence; the c. name uses the placement nearest the transcript's 3' end. VCF-style (leftmost placement, unchanged base first): chr21-46121580-GCAGGACCCCGTGGAGACTCAGGACAGC-G. GRCh37 (hg19) VCF-style: chr21-47541494-GCAGGACCCCGTGGAGACTCAGGACAGC-G.
Other names: c.1488_1514del, p.Arg498_Pro506del (NM_058174.3, NM_058175.3).
Identifiers: ClinVar variation 1333202 (VCV001333202.1), dbSNP rs2123646706, ClinGen allele CA2573054961.